The following is an entry in ClinVar:

ClinVar aggregate classification (germline): Uncertain significance (1 of 4 stars; one submission).

Conditions:
Cardiovascular phenotype. Identifiers: MedGen CN230736.

gnomAD v4.1: 4 of 1,612,742 alleles (0.00025%); highest among the groups gnomAD compares: Non-Finnish European, 0.00034%; no homozygotes.

Submission:

Ambry Genetics
Classification: Uncertain significance for Cardiovascular phenotype. Last evaluated: 2018-08-27. Review status: criteria provided, single submitter. Criteria: Ambry Variant Classification Scheme 2023. Collection method: clinical testing. Allele origin: germline.
Comment: The p.G22475D variant (also known as c.67424G>A), located in coding exon 168 of the TTN gene, results from a G to A substitution at nucleotide position 67424. The glycine at codon 22475 is replaced by aspartic acid, an amino acid with some similar properties. This amino acid position is highly conserved in available vertebrate species. In addition, the in silico prediction for this alteration is inconclusive. Since supporting evidence is limited at this time, the clinical significance of this alteration remains unclear.

NM_001267550.2(TTN):c.94619G>A (p.Gly31540Asp)

Genes: TTN (titin; minus strand), TTN-AS1 (TTN antisense RNA 1; plus strand). Cytogenetic location: 2q31.2.
Variant type: single nucleotide variant.
Coding change: c.94619G>A on transcript NM_001267550.2 (MANE Select); coding-DNA position 94619, G replaced by A.
Protein change: p.Gly31540Asp; replaces glycine 31540 with aspartic acid.
Molecular consequence: missense variant.
Genome position (GRCh38, 1-based): chr2:178,546,809, C>T on the plus strand (G>A on the coding strand, the complement: TTN is on the minus strand). VCF-style: chr2-178546809-C-T. GRCh37 (hg19) VCF-style: chr2-179411536-C-T.
Other names: c.89696G>A, p.Gly29899Asp (NM_001256850.1); c.67424G>A, p.Gly22475Asp (NM_003319.4); c.86915G>A, p.Gly28972Asp (NM_133378.4); c.67799G>A, p.Gly22600Asp (NM_133432.3); c.68000G>A, p.Gly22667Asp (NM_133437.4); short protein forms G29899D, G22475D, G31540D, G28972D, G22600D, G22667D.
Identifiers: ClinVar variation 1755194 (VCV001755194.2), dbSNP rs2469067473, ClinGen allele CA349471888.